The following is an entry in ClinVar:

ClinVar aggregate classification (germline): Conflicting classifications of pathogenicity. Review status: criteria provided, conflicting classifications (1 of 4 stars). 2 submissions from 2 submitters: Uncertain significance (1); Benign (1). Last evaluated 2024-05-14.

Allele frequency attached by ClinVar (database versions not stated): gnomAD exomes below 0.00001; TOPMed below 0.00001; gnomAD 0.00001.
gnomAD v4.1: 5 of 1,613,948 alleles (0.00031%); highest among the groups gnomAD compares: African/African-American, 0.0013%; no homozygotes.

Submissions (2):

Labcorp Genetics (formerly Invitae), Labcorp
Classification: Uncertain significance. Last evaluated: 2024-05-14. Review status: criteria provided, single submitter. Criteria: Invitae Variant Classification Sherloc (09022015). Collection method: clinical testing. Allele origin: germline.
Comment: This sequence change replaces glutamic acid, which is acidic and polar, with lysine, which is basic and polar, at codon 70 of the ADGRE2 protein (p.Glu70Lys). This variant is not present in population databases (gnomAD no frequency). This variant has not been reported in the literature in individuals affected with ADGRE2-related conditions. ClinVar contains an entry for this variant (Variation ID: 1686333). An algorithm developed to predict the effect of missense changes on protein structure and function (PolyPhen-2) suggests that this variant is likely to be disruptive. In summary, the available evidence is currently insufficient to determine the role of this variant in disease. Therefore, it has been classified as a Variant of Uncertain Significance.

Mendelics
Classification: Benign. Last evaluated: 2022-05-04. Review status: criteria provided, single submitter. Criteria: Mendelics Assertion Criteria 2019. Collection method: clinical testing. Allele origin: germline.

NM_013447.4(ADGRE2):c.208G>A (p.Glu70Lys)

Gene: ADGRE2 (adhesion G protein-coupled receptor E2; minus strand). Cytogenetic location: 19p13.12.
Variant type: single nucleotide variant.
Coding change: c.208G>A on transcript NM_013447.4 (MANE Select); coding-DNA position 208, G replaced by A.
Protein change: p.Glu70Lys; replaces glutamic acid 70 with lysine.
Molecular consequence: missense variant.
Genome position (GRCh38, 1-based): chr19:14,772,489, C>T on the plus strand (G>A on the coding strand, the complement: ADGRE2 is on the minus strand). VCF-style: chr19-14772489-C-T. GRCh37 (hg19) VCF-style: chr19-14883301-C-T.
Other names: c.208G>A, p.Glu70Lys (NM_001271052.1); short protein forms E70K.
Identifiers: ClinVar variation 1686333 (VCV001686333.4), dbSNP rs1010286043, ClinGen allele CA305725292.